The following is an entry in ClinVar:

NM_001253697.2(ERBIN):c.2825C>T (p.Ala942Val)

Gene: ERBIN (erbb2 interacting protein; plus strand). Cytogenetic location: 5q12.3.
Variant type: single nucleotide variant.
Coding change: c.2825C>T on transcript NM_001253697.2 (MANE Select); coding-DNA position 2825, C replaced by T.
Protein change: p.Ala942Val; replaces alanine 942 with valine.
Molecular consequence: missense variant.
Genome position (GRCh38, 1-based): chr5:66,054,143, C>T. VCF-style: chr5-66054143-C-T. GRCh37 (hg19) VCF-style: chr5-65349971-C-T.
Other names: c.2825C>T, p.Ala942Val (NM_001006600.3, NM_001253698.2, NM_001253699.2 and 1 more transcripts); c.2813C>T, p.Ala938Val (NM_001253701.2); c.2825C>T (NM_001006600.2); short protein forms A938V, A942V.
Identifiers: ClinVar variation 1478176 (VCV001478176.8), dbSNP rs2151239445, ClinGen allele CA359867900.

ClinVar aggregate classification (germline): Uncertain significance. Review status: criteria provided, multiple submitters, no conflicts (2 of 4 stars). 2 submissions from 2 submitters: Uncertain significance (2). Last evaluated 2022-10-12.

Conditions:
ERBIN-related disorder. Also called: ERBIN-related condition.

Submissions (2):

PreventionGenetics, part of Exact Sciences
Classification: Uncertain significance for ERBIN-related condition. Last evaluated: 2022-10-12. Review status: criteria provided, single submitter. Criteria: ACMG Guidelines, 2015. Collection method: clinical testing. Allele origin: germline.
Comment: The ERBIN c.2825C>T variant is predicted to result in the amino acid substitution p.Ala942Val. To our knowledge, this variant has not been reported in the literature or in a large population database, indicating this variant is rare. At this time, the clinical significance of this variant is uncertain due to the absence of conclusive functional and genetic evidence.

Labcorp Genetics (formerly Invitae), Labcorp
Classification: Uncertain significance. Last evaluated: 2020-12-30. Review status: criteria provided, single submitter. Criteria: Invitae Variant Classification Sherloc (09022015). Collection method: clinical testing. Allele origin: germline.
Comment: This variant is not present in population databases (ExAC no frequency). This variant has not been reported in the literature in individuals with ERBIN-related conditions. Algorithms developed to predict the effect of missense changes on protein structure and function are either unavailable or do not agree on the potential impact of this missense change (SIFT: "Deleterious"; PolyPhen-2: "Benign"; Align-GVGD: "Class C0"). Algorithms developed to predict the effect of sequence changes on RNA splicing suggest that this variant may create or strengthen a splice site, but this prediction has not been confirmed by published transcriptional studies. In summary, the available evidence is currently insufficient to determine the role of this variant in disease. Therefore, it has been classified as a Variant of Uncertain Significance. This sequence change replaces alanine with valine at codon 942 of the ERBIN protein (p.Ala942Val). The alanine residue is moderately conserved and there is a small physicochemical difference between alanine and valine.